The following is an entry in ClinVar:

NM_001830.4(CLCN4):c.1576+5G>A

Gene: CLCN4 (Cl-/H+ antiporter 4; plus strand). Cytogenetic location: Xp22.2.
Variant type: single nucleotide variant.
Coding change: c.1576+5G>A on transcript NM_001830.4 (MANE Select); 5 bases into the intron after coding-DNA position 1576, G replaced by A.
Molecular consequence: intron variant.
Genome position (GRCh38, 1-based): chrX:10,212,658, G>A. VCF-style: chrX-10212658-G-A. GRCh37 (hg19) VCF-style: chrX-10180698-G-A.
Other names: c.1294+5G>A (NM_001256944.2).
Identifiers: ClinVar variation 697367 (VCV000697367.17), dbSNP rs183625504, ClinGen allele CA10347250.
Genomic context (GRCh38, chrX:10,212,658, plus strand): 5'-TGCAGACTGTGTCACGCCAGGGCTGTACGCAATGGTGGGAGCTGCGGCCTGCCTCGGTAC[G>A]ACCATGGGTGGGGCAGGGAGGGGGACCGGGGAACTAATCTGGCTTAGAGGACTGCCAAGA-3'

ClinVar aggregate classification (germline): Benign/Likely benign. Review status: criteria provided, multiple submitters, no conflicts (2 of 4 stars). 4 submissions from 4 submitters: Benign (1); Likely benign (2). 1 of the submissions does not count toward it. Last evaluated 2026-07-01.

Conditions:
CLCN4-related disorder. Identifiers: MedGen CN232948.

Allele frequency attached by ClinVar (database versions not stated): gnomAD 0.00001 and 0.00004; TOPMed 0.00005; gnomAD exomes 0.00031; ExAC 0.00033; 1000 Genomes Project 30x 0.00042; 1000 Genomes Project 0.00053.
gnomAD v4.1: 92 of 1,194,249 alleles (0.0077%); highest among the groups gnomAD compares: Admixed American, 0.093%; no homozygotes.

Submissions (4):

CeGaT Center for Human Genetics Tuebingen
Classification: Likely benign. Last evaluated: 2026-07-01. Review status: criteria provided, single submitter. Criteria: CeGaT Center For Human Genetics Tuebingen Variant Classification Criteria Version 2. Collection method: clinical testing. Allele origin: germline. Affected: yes. Observed: 1 variant allele.
Comment: CLCN4: BS1

Labcorp Genetics (formerly Invitae), Labcorp
Classification: Benign. Last evaluated: 2025-11-09. Review status: criteria provided, single submitter. Criteria: Invitae Variant Classification Sherloc (09022015). Collection method: clinical testing. Allele origin: germline.

GeneDx
Classification: Likely benign. Last evaluated: 2018-10-18. Review status: criteria provided, single submitter. Criteria: GeneDx Variant Classification Process June 2021. Collection method: clinical testing. Allele origin: germline. Affected: yes.

PreventionGenetics, part of Exact Sciences
Classification: Likely benign for CLCN4-related condition. Last evaluated: 2022-03-16. Review status: no assertion criteria provided. Collection method: clinical testing. Allele origin: germline. Not counted in ClinVar's aggregate classification.
Comment: This variant is classified as likely benign based on ACMG/AMP sequence variant interpretation guidelines (Richards et al. 2015 PMID: 25741868, with internal and published modifications).